The following is an entry in ClinVar:

ClinVar aggregate classification (germline): Uncertain significance (1 of 4 stars; one submission).

Conditions:
Cardiovascular phenotype. Identifiers: MedGen CN230736.

Submission:

Ambry Genetics
Classification: Uncertain significance for Cardiovascular phenotype. Last evaluated: 2024-11-27. Review status: criteria provided, single submitter. Criteria: Ambry Variant Classification Scheme 2023. Collection method: clinical testing. Allele origin: germline.
Comment: The p.E280D variant (also known as c.840G>T), located in coding exon 3 of the APOA5 gene, results from a G to T substitution at nucleotide position 840. The glutamic acid at codon 280 is replaced by aspartic acid, an amino acid with highly similar properties. This amino acid position is conserved. In addition, this alteration is predicted to be tolerated by in silico analysis. Based on the available evidence, the clinical significance of this variant remains unclear.

NM_001371904.1(APOA5):c.840G>T (p.Glu280Asp)

Gene: APOA5 (apolipoprotein A5; minus strand). Cytogenetic location: 11q23.3.
Variant type: single nucleotide variant.
Coding change: c.840G>T on transcript NM_001371904.1 (MANE Select); coding-DNA position 840, G replaced by T.
Protein change: p.Glu280Asp; replaces glutamic acid 280 with aspartic acid.
Molecular consequence: missense variant.
Genome position (GRCh38, 1-based): chr11:116,790,389, C>A on the plus strand (G>T on the coding strand, the complement: APOA5 is on the minus strand). VCF-style: chr11-116790389-C-A. GRCh37 (hg19) VCF-style: chr11-116661105-C-A.
Other names: c.840G>T, p.Glu280Asp (NM_001166598.2, NM_052968.5); short protein forms E280D.
Identifiers: ClinVar variation 3414545 (VCV003414545.1).